The following is an entry in ClinVar:

NM_001384732.1(CPLANE1):c.4739T>C (p.Phe1580Ser)

Gene: CPLANE1 (ciliogenesis and planar polarity effector complex subunit 1; minus strand). Cytogenetic location: 5p13.2.
Variant type: single nucleotide variant.
Coding change: c.4739T>C on transcript NM_001384732.1 (MANE Select); coding-DNA position 4739, T replaced by C.
Protein change: p.Phe1580Ser; replaces phenylalanine 1580 with serine.
Molecular consequence: missense variant.
Genome position (GRCh38, 1-based): chr5:37,183,442, A>G on the plus strand (T>C on the coding strand, the complement: CPLANE1 is on the minus strand). VCF-style: chr5-37183442-A-G. GRCh37 (hg19) VCF-style: chr5-37183544-A-G.
Other names: c.4739T>C, p.Phe1580Ser (NM_023073.4); short protein forms F1580S.
Identifiers: ClinVar variation 1334822 (VCV001334822.6), dbSNP rs1027538017, ClinGen allele CA117069225.

ClinVar aggregate classification (germline): Uncertain significance. Review status: criteria provided, multiple submitters, no conflicts (2 of 4 stars). 2 submissions from 2 submitters: Uncertain significance (2). Last evaluated 2023-05-15.

Allele frequency attached by ClinVar (database versions not stated): gnomAD exomes below 0.00001 and 0.00001; gnomAD 0.00001; TOPMed 0.00001.
gnomAD v4.1: 4 of 1,613,646 alleles (0.00025%); highest among the groups gnomAD compares: African/African-American, 0.004%; no homozygotes.

Submissions (2):

Labcorp Genetics (formerly Invitae), Labcorp
Classification: Uncertain significance. Last evaluated: 2023-05-15. Review status: criteria provided, single submitter. Criteria: Invitae Variant Classification Sherloc (09022015). Collection method: clinical testing. Allele origin: germline.
Comment: In summary, the available evidence is currently insufficient to determine the role of this variant in disease. Therefore, it has been classified as a Variant of Uncertain Significance. Advanced modeling of protein sequence and biophysical properties (such as structural, functional, and spatial information, amino acid conservation, physicochemical variation, residue mobility, and thermodynamic stability) performed at Invitae indicates that this missense variant is expected to disrupt CPLANE1 protein function. ClinVar contains an entry for this variant (Variation ID: 1334822). This variant has not been reported in the literature in individuals affected with CPLANE1-related conditions. This variant is present in population databases (no rsID available, gnomAD 0.01%). This sequence change replaces phenylalanine, which is neutral and non-polar, with serine, which is neutral and polar, at codon 1580 of the CPLANE1 protein (p.Phe1580Ser).

Genetic Services Laboratory, University of Chicago
Classification: Uncertain significance. Last evaluated: 2017-07-28. Review status: criteria provided, single submitter. Criteria: ACMG Guidelines, 2015. Collection method: clinical testing. Allele origin: germline. Affected: no.